The following is an entry in ClinVar:

ClinVar aggregate classification (germline): Likely benign (1 of 4 stars; one submission).

Allele frequency attached by ClinVar (database versions not stated): gnomAD exomes below 0.00001.
gnomAD v4.1: 2 of 1,612,392 alleles (0.00012%); highest among the groups gnomAD compares: Non-Finnish European, 0.00017%; no homozygotes.

Submission:

GeneDx
Classification: Likely benign. Last evaluated: 2016-03-07. Review status: criteria provided, single submitter. Criteria: GeneDx Variant Classification (06012015). Collection method: clinical testing. Allele origin: germline. Affected: yes.
Comment: This variant is considered likely benign or benign based on one or more of the following criteria: it is a conservative change, it occurs at a poorly conserved position in the protein, it is predicted to be benign by multiple in silico algorithms, and/or has population frequency not consistent with disease.

NM_002485.5(NBN):c.348C>T (p.Cys116=)

Gene: NBN (nibrin; minus strand). Cytogenetic location: 8q21.3.
Variant type: single nucleotide variant.
Coding change: c.348C>T on transcript NM_002485.5 (MANE Select); coding-DNA position 348, C replaced by T.
Protein change: p.Cys116=; no amino-acid change (cysteine 116 retained).
Molecular consequence: synonymous variant.
Genome position (GRCh38, 1-based): chr8:89,980,866, G>A on the plus strand (C>T on the coding strand, the complement: NBN is on the minus strand). VCF-style: chr8-89980866-G-A. GRCh37 (hg19) VCF-style: chr8-90993094-G-A.
Other names: c.102C>T, p.Cys34= (NM_001024688.3).
Identifiers: ClinVar variation 378233 (VCV000378233.1), dbSNP rs1057520332, ClinGen allele CA16605519.
Genomic context (GRCh38, chr8:89,980,866, plus strand): 5'-TCCAAGTTGCAATATAGCTTGATTTAAAGCAGTTTTCCCAGAGACATCTAAACAAGAAGA[G>A]CATGCAACCAAAGGCTCATACTCTATTCTGTAAATGAGAATAAGTTAAATAAAGTCATAG-3'
Protein context (NP_002476.2, residues 106-126): FRIEYEPLVA[Cys116=]SSCLDVSGKT